The following is an entry in ClinVar:

ClinVar aggregate classification (germline): Uncertain significance (1 of 4 stars; one submission).

Conditions:
Nemaline myopathy. Also called: Myopathies, Nemaline. Identifiers: Orphanet 607, MedGen C0206157, MONDO:0018958.

gnomAD v4.1: 2 of 1,604,770 alleles (0.00012%); highest among the groups gnomAD compares: East Asian, 0.0022%; no homozygotes.

Submission:

Broad Center for Mendelian Genomics, Broad Institute of MIT and Harvard
Classification: Uncertain significance for Nemaline myopathy. Last evaluated: 2025-03-17. Review status: criteria provided, single submitter. Criteria: ACMG Guidelines, 2015. Collection method: curation. Allele origin: germline. Inheritance: Autosomal recessive inheritance.
Comment: The c.8373+5G>A variant in NEB has been reported, in the homozygous state, in 1 individual with nemaline myopathy (PMID: 25205138), and has been identified in 0.002% (1/44728) of East Asian chromosomes by the Genome Aggregation Database (gnomAD). Although this variant has been seen in the general population in a heterozygous state, its frequency is low enough to be consistent with a recessive carrier frequency. Computational prediction tools and conservation analyses suggest that this variant may impact the protein, though this information is not predictive enough to determine pathogenicity. Loss of function of the NEB gene is an established disease mechanism in autosomal recessive nemaline myopathy. One additional likely pathogenic variant, predicted to induce the same splicing effect as this variant, has been reported in ClinVar as being associated with nemaline myopathy, supporting that the c.8373+5G>A variant may be pathogenic (Variation ID: 1346401). In summary, while there is some suspicion for a pathogenic role, the clinical significance of this variant is uncertain. ACMG/AMP Criteria applied: PP3, PM2_supporting, PM3_supporting, PS1_supporting (Richards 2015).

NM_001164508.2(NEB):c.8373+5G>A

Gene: NEB (nebulin; minus strand). Cytogenetic location: 2q23.3.
Variant type: single nucleotide variant.
Coding change: c.8373+5G>A on transcript NM_001164508.2 (MANE Select); 5 bases into the intron after coding-DNA position 8373, G replaced by A.
Molecular consequence: intron variant.
Genome position (GRCh38, 1-based): chr2:151,642,569, C>T on the plus strand (G>A on the coding strand, the complement: NEB is on the minus strand). VCF-style: chr2-151642569-C-T. GRCh37 (hg19) VCF-style: chr2-152499083-C-T.
Other names: NM_001164508.2:c.8373+5G>A; c.8373+5G>A (NM_004543.5, NM_001164507.2, NM_001271208.2).
Identifiers: ClinVar variation 3776983 (VCV003776983.1).